The following is an entry in ClinVar:

ClinVar aggregate classification (germline): Pathogenic (1 of 4 stars; one submission).

Conditions:
Hereditary nonpolyposis colorectal neoplasms. Identifiers: MedGen C0009405, MeSH D003123.

Submission:

Labcorp Genetics (formerly Invitae), Labcorp
Classification: Pathogenic for Hereditary nonpolyposis colorectal neoplasms. Last evaluated: 2020-07-10. Review status: criteria provided, single submitter. Criteria: Invitae Variant Classification Sherloc (09022015). Collection method: clinical testing. Allele origin: germline.
Comment: This sequence change creates a premature translational stop signal (p.Glu544Lysfs*27) in the MSH6 gene. It is expected to result in an absent or disrupted protein product. This variant is not present in population databases (ExAC no frequency). This variant has not been reported in the literature in individuals with MSH6-related conditions. Loss-of-function variants in MSH6 are known to be pathogenic (PMID: 18269114, 24362816). For these reasons, this variant has been classified as Pathogenic.

Literature cited by the submitters: PubMed 18269114; PubMed 24362816.

NM_000179.3(MSH6):c.1626del (p.Glu544fs)

Gene: MSH6 (mutS homolog 6; plus strand). Cytogenetic location: 2p16.3.
Variant type: Deletion.
Coding change: c.1626del on transcript NM_000179.3 (MANE Select); coding-DNA position 1626, one base deleted (C; older notation c.1626delC).
Protein change: p.Glu544fs; shifts the reading frame from glutamic acid 544.
Molecular consequence: frameshift variant.
Genome position (GRCh38, 1-based): chr2:47,799,609, C deleted. VCF-style (leftmost placement, unchanged base first): chr2-47799608-TC-T. GRCh37 (hg19) VCF-style: chr2-48026747-TC-T.
Other names: c.1236del, p.Glu414fs (NM_001281492.2); c.720del, p.Glu242fs (NM_001281493.2, NM_001281494.2); short protein forms E242fs, E414fs, E544fs.
Identifiers: ClinVar variation 1073546 (VCV001073546.7), dbSNP rs2104356621, ClinGen allele CA2499216104.